The following is an entry in ClinVar:

ClinVar aggregate classification (germline): Likely benign. Review status: criteria provided, single submitter (1 of 4 stars). 2 submissions from 2 submitters: Likely benign (1). 1 of the submissions does not count toward it. Last evaluated 2025-10-09.

Conditions:
ARCN1-related disorder. Also called: ARCN1-related condition.

Allele frequency attached by ClinVar (database versions not stated): gnomAD 0.00010; TOPMed 0.00021; 1000 Genomes Project 30x 0.00047; 1000 Genomes Project 0.00060.
gnomAD v4.1: 138 of 1,612,566 alleles (0.0086%); highest among the groups gnomAD compares: East Asian, 0.29%; no homozygotes.

Submissions (2):

Labcorp Genetics (formerly Invitae), Labcorp
Classification: Likely benign. Last evaluated: 2025-10-09. Review status: criteria provided, single submitter. Criteria: Invitae Variant Classification Sherloc (09022015). Collection method: clinical testing. Allele origin: germline.

PreventionGenetics, part of Exact Sciences
Classification: Benign for ARCN1-related condition. Last evaluated: 2019-07-15. Review status: no assertion criteria provided. Collection method: clinical testing. Allele origin: germline. Not counted in ClinVar's aggregate classification.
Comment: This variant is classified as benign based on ACMG/AMP sequence variant interpretation guidelines (Richards et al. 2015 PMID: 25741868, with internal and published modifications).

NM_001655.5(ARCN1):c.769C>A (p.Arg257Ser)

Gene: ARCN1 (archain 1 coat protein complex I subunit delta; plus strand). Cytogenetic location: 11q23.3.
Variant type: single nucleotide variant.
Coding change: c.769C>A on transcript NM_001655.5 (MANE Select); coding-DNA position 769, C replaced by A.
Protein change: p.Arg257Ser; replaces arginine 257 with serine.
Molecular consequence: missense variant.
Genome position (GRCh38, 1-based): chr11:118,584,595, C>A. VCF-style: chr11-118584595-C-A. GRCh37 (hg19) VCF-style: chr11-118455310-C-A.
Other names: c.505C>A, p.Arg169Ser (NM_001142281.2); short protein forms R169S, R257S.
Identifiers: ClinVar variation 722499 (VCV000722499.10), dbSNP rs199849563, ClinGen allele CA6306130.